The following is an entry in ClinVar:

NM_001278116.2(L1CAM):c.1430A>C (p.Tyr477Ser)

Gene: L1CAM (L1 cell adhesion molecule; minus strand). Cytogenetic location: Xq28.
Variant type: single nucleotide variant.
Coding change: c.1430A>C on transcript NM_001278116.2 (MANE Select); coding-DNA position 1430, A replaced by C.
Protein change: p.Tyr477Ser; replaces tyrosine 477 with serine.
Molecular consequence: missense variant.
Genome position (GRCh38, 1-based): chrX:153,868,677, T>G on the plus strand (A>C on the coding strand, the complement: L1CAM is on the minus strand). VCF-style: chrX-153868677-T-G. GRCh37 (hg19) VCF-style: chrX-153134132-T-G.
Other names: c.1430A>C, p.Tyr477Ser (NM_000425.5, NM_024003.3); c.1415A>C, p.Tyr472Ser (NM_001143963.2); short protein forms Y477S, Y472S.
Identifiers: ClinVar variation 2585012 (VCV002585012.1), dbSNP rs1382118373, ClinGen allele CA415126202.
Genomic context (GRCh38, chrX:153,868,677, plus strand): 5'-CAGAAGTAGCGTCCGGTGTCATTGGCCTGGAGGTCTCGAATGCCCAGGGTCCCATTGGCA[T>G]AGGGGAAGAAGCGTTCGTCCTGAAGCACTGTTGTCCCATCCTCGTCCAGCCTGGAGGGAG-3'
Protein context (NP_001265045.1, residues 467-487): TVLQDERFFP[Tyr477Ser]ANGTLGIRDL

ClinVar aggregate classification (germline): Uncertain significance (1 of 4 stars; one submission).

Conditions:
X-linked complicated corpus callosum dysgenesis. Also called: X-Linked Complicated Corpus Callosum Agenesis. Identifiers: Orphanet 1497, MedGen C1839909, MONDO:0010569, OMIM 304100.

Submission:

Neuberg Centre For Genomic Medicine, NCGM
Classification: Uncertain significance for X-linked complicated corpus callosum dysgenesis. Review status: criteria provided, single submitter. Criteria: ACMG Guidelines, 2015. Collection method: clinical testing. Allele origin: germline. Inheritance: X-linked inheritance. Affected: yes.
Comment: The missense variant c.1430A>C (p.Tyr477Ser) in L1CAM gene has not been reported previously as a pathogenic variant nor as a benign variant, to our knowledge. The p.Tyr477Ser variant is novel (not in any individuals) in gnomAD exomes and 1000 Genomes. This variant has not been reported to the ClinVar database. The amino acid Tyr at position 477 is changed to a Ser changing protein sequence and it might alter its composition and physico-chemical properties. The amino acid change p.Tyr477Ser in L1CAM is predicted as conserved by GERP++ and PhyloP across 100 vertebrates. For these reasons, this variant has been classified as Uncertain Significance.